The following is an entry in ClinVar:

ClinVar aggregate classification (germline): Uncertain significance (1 of 4 stars; one submission).

Conditions:
X-linked distal spinal muscular atrophy type 3. Also called: ATP7A-Related Distal Motor Neuropathy; NEURONOPATHY, DISTAL HEREDITARY MOTOR, X-LINKED; NEUROPATHY, DISTAL HEREDITARY MOTOR, X-LINKED; SPINAL MUSCULAR ATROPHY, DISTAL, X-LINKED RECESSIVE. Identifiers: Orphanet 139557, MedGen C1845359, MONDO:0010338, OMIM 300489.
Menkes kinky-hair syndrome (MNK). Also called: Classic Menkes Disease; Copper transport disease; Menkes Disease. Identifiers: Orphanet 565, MedGen C0022716, MONDO:0010651, OMIM 309400.
Cutis laxa, X-linked (OHS). Also called: EDS IX; Occipital horn syndrome. Identifiers: Orphanet 198, MedGen C0268353, MONDO:0010572, OMIM 304150.

Allele frequency attached by ClinVar (database versions not stated): TOPMed 0.00001.

Submission:

Labcorp Genetics (formerly Invitae), Labcorp
Classification: Uncertain significance for X-linked distal spinal muscular atrophy type 3; Cutis laxa, X-linked; Menkes kinky-hair syndrome. Last evaluated: 2025-01-20. Review status: criteria provided, single submitter. Criteria: Invitae Variant Classification Sherloc (09022015). Collection method: clinical testing. Allele origin: germline.
Comment: This sequence change replaces glutamic acid, which is acidic and polar, with glutamine, which is neutral and polar, at codon 561 of the ATP7A protein (p.Glu561Gln). This variant is not present in population databases (gnomAD no frequency). This variant has not been reported in the literature in individuals affected with ATP7A-related conditions. ClinVar contains an entry for this variant (Variation ID: 1413776). Invitae Evidence Modeling of protein sequence and biophysical properties (such as structural, functional, and spatial information, amino acid conservation, physicochemical variation, residue mobility, and thermodynamic stability) indicates that this missense variant is not expected to disrupt ATP7A protein function with a negative predictive value of 95%. In summary, the available evidence is currently insufficient to determine the role of this variant in disease. Therefore, it has been classified as a Variant of Uncertain Significance.

NM_000052.7(ATP7A):c.1681G>C (p.Glu561Gln)

Gene: ATP7A (ATPase copper transporting alpha; plus strand). Cytogenetic location: Xq21.1.
Variant type: single nucleotide variant.
Coding change: c.1681G>C on transcript NM_000052.7 (MANE Select); coding-DNA position 1681, G replaced by C.
Protein change: p.Glu561Gln; replaces glutamic acid 561 with glutamine.
Molecular consequence: missense variant.
Genome position (GRCh38, 1-based): chrX:78,003,210, G>C. VCF-style: chrX-78003210-G-C. GRCh37 (hg19) VCF-style: chrX-77258707-G-C.
Other names: c.1681G>C, p.Glu561Gln (NM_001282224.2); short protein forms E561Q.
Identifiers: ClinVar variation 1413776 (VCV001413776.5), dbSNP rs2077752247, ClinGen allele CA413595467.